The following is an entry in ClinVar:

NM_001366385.1(CARD14):c.1985dup (p.Arg663fs)

Genes: CARD14 (caspase recruitment domain family member 14; plus strand), SGSH (N-sulfoglucosamine sulfohydrolase; minus strand). Cytogenetic location: 17q25.3.
Variant type: Duplication.
Coding change: c.1985dup on transcript NM_001366385.1 (MANE Select); coding-DNA position 1985, one base duplicated (A; older notation c.1985dupA).
Protein change: p.Arg663fs; shifts the reading frame from arginine 663.
Molecular consequence: frameshift variant. On other transcripts: non-coding transcript variant (1).
Genome position (GRCh38, 1-based): chr17:80,202,186, A duplicated; the last of 2 consecutive A bases (chr17:80,202,185-80,202,186); duplicating either gives the same sequence. VCF-style (leftmost placement, unchanged base first): chr17-80202184-T-TA. GRCh37 (hg19) VCF-style: chr17-78175983-T-TA.
Other names: c.1985dup, p.Arg663fs (NM_001257970.1, NM_024110.4); short protein forms R663fs.
Identifiers: ClinVar variation 2016316 (VCV002016316.4), dbSNP rs2510721559, ClinGen allele CA2576415148.

ClinVar aggregate classification (germline): Uncertain significance (1 of 4 stars; one submission).

Conditions:
Psoriasis 2. Identifiers: MedGen C1864497, MONDO:0011269, OMIM 602723.
Pityriasis rubra pilaris (PRP). Also called: Pityriasis rubra pilaris--familial type. Identifiers: Orphanet 2897, MedGen C0032027, MONDO:0100017, OMIM 173200, MONDO:0008251.

Submission:

Labcorp Genetics (formerly Invitae), Labcorp
Classification: Uncertain significance for Pityriasis rubra pilaris; Psoriasis 2. Last evaluated: 2022-10-17. Review status: criteria provided, single submitter. Criteria: Invitae Variant Classification Sherloc (09022015). Collection method: clinical testing. Allele origin: germline.
Comment: This variant has not been reported in the literature in individuals affected with CARD14-related conditions. In summary, the available evidence is currently insufficient to determine the role of this variant in disease. Therefore, it has been classified as a Variant of Uncertain Significance. This variant is not present in population databases (gnomAD no frequency). This sequence change creates a premature translational stop signal (p.Arg663Glufs*127) in the CARD14 gene. It is expected to result in an absent or disrupted protein product. However, the current clinical and genetic evidence is not sufficient to establish whether loss-of-function variants in CARD14 cause disease.